The following is an entry in ClinVar:

ClinVar aggregate classification (germline): Uncertain significance. Review status: criteria provided, multiple submitters, no conflicts (2 of 4 stars). 2 submissions from 2 submitters: Uncertain significance (2). Last evaluated 2021-04-23.

Conditions:
Hereditary cancer-predisposing syndrome. Also called: Neoplastic Syndromes, Hereditary; Tumor predisposition; Hereditary Cancer Syndrome; Hereditary neoplastic syndrome. Identifiers: Orphanet 140162, MedGen C0027672, MeSH D009386, MONDO:0015356.

Submissions (2):

Labcorp Genetics (formerly Invitae), Labcorp
Classification: Uncertain significance for Hereditary cancer-predisposing syndrome. Last evaluated: 2021-04-23. Review status: criteria provided, single submitter. Criteria: Invitae Variant Classification Sherloc (09022015). Collection method: clinical testing. Allele origin: germline.
Comment: In summary, the available evidence is currently insufficient to determine the role of this variant in disease. Therefore, it has been classified as a Variant of Uncertain Significance. This sequence change replaces alanine with proline at codon 692 of the RAD50 protein (p.Ala692Pro). The alanine residue is moderately conserved and there is a small physicochemical difference between alanine and proline. This variant is not present in population databases (ExAC no frequency). This variant has not been reported in the literature in individuals with RAD50-related conditions. ClinVar contains an entry for this variant (Variation ID: 484652). Experimental studies have shown that this variant affects RAD50 protein function (PMID: 15948962).

Ambry Genetics
Classification: Uncertain significance for Hereditary cancer-predisposing syndrome. Last evaluated: 2019-02-28. Review status: criteria provided, single submitter. Criteria: Ambry Variant Classification Scheme 2023. Collection method: clinical testing. Allele origin: germline.
Comment: The p.A692P variant (also known as c.2074G>C), located in coding exon 13 of the RAD50 gene, results from a G to C substitution at nucleotide position 2074. The alanine at codon 692 is replaced by proline, an amino acid with highly similar properties. Functional data using a model organism demonstrated that the p.A6992P alteration conferred sensitivity to DNA damaging agents to the same extent as the inactivation stain (Malavazi et al Mol. Microbiol. 2005 Jul;57(1):222-37). This amino acid position is not well conserved in available vertebrate species. In addition, this alteration is predicted to be tolerated by in silico analysis.Since supporting evidence is limited at this time, the clinical significance of this alteration remains unclear.

Literature cited by the submitters: PubMed 15948962 (cited by Labcorp Genetics (formerly Invitae), Labcorp and Ambry Genetics).

NM_005732.4(RAD50):c.2074G>C (p.Ala692Pro)

Gene: RAD50 (RAD50 double strand break repair protein; plus strand). Cytogenetic location: 5q31.1.
Variant type: single nucleotide variant.
Coding change: c.2074G>C on transcript NM_005732.4 (MANE Select); coding-DNA position 2074, G replaced by C.
Protein change: p.Ala692Pro; replaces alanine 692 with proline.
Molecular consequence: missense variant.
Genome position (GRCh38, 1-based): chr5:132,595,677, G>C. VCF-style: chr5-132595677-G-C. GRCh37 (hg19) VCF-style: chr5-131931369-G-C.
Other names: short protein forms A692P.
Identifiers: ClinVar variation 484652 (VCV000484652.13), dbSNP rs752824477, ClinGen allele CA360949829.
Genomic context (GRCh38, chr5:132,595,677, plus strand): 5'-CAGCTAACAGACGAAAACCAGTCATGTTGCCCCGTTTGTCAGAGAGTTTTTCAGACAGAG[G>C]CTGAGTTACAAGAAGTCATCAGTGATTTGCAGTCTAAACTGCGACTTGCTCCAGATAAAC-3'
Protein context (NP_005723.2, residues 682-702): PVCQRVFQTE[Ala692Pro]ELQEVISDLQ